The following is an entry in ClinVar:

ClinVar aggregate classification (germline): Uncertain significance. Review status: criteria provided, single submitter (1 of 4 stars). 2 submissions from 2 submitters: Uncertain significance (1). 1 of the submissions does not count toward it. Last evaluated 2022-10-17.

Conditions:
PCNT-related disorder. Also called: PCNT-related condition.

Allele frequency attached by ClinVar (database versions not stated): ExAC 0.00002; gnomAD exomes 0.00002; gnomAD 0.00008 and 0.00009; ESP Exome Variant Server 0.00015; 1000 Genomes Project 0.00020; 1000 Genomes Project 30x 0.00031.
gnomAD v4.1: 43 of 1,614,038 alleles (0.0027%); highest among the groups gnomAD compares: Middle Eastern, 0.016%; no homozygotes.

Submissions (2):

Labcorp Genetics (formerly Invitae), Labcorp
Classification: Uncertain significance. Last evaluated: 2022-10-17. Review status: criteria provided, single submitter. Criteria: Invitae Variant Classification Sherloc (09022015). Collection method: clinical testing. Allele origin: germline.
Comment: This sequence change replaces arginine, which is basic and polar, with histidine, which is basic and polar, at codon 497 of the PCNT protein (p.Arg497His). The frequency data for this variant in the population databases is considered unreliable, as metrics indicate poor data quality at this position in the gnomAD database. This variant has not been reported in the literature in individuals affected with PCNT-related conditions. ClinVar contains an entry for this variant (Variation ID: 1513754). Algorithms developed to predict the effect of missense changes on protein structure and function output the following: SIFT: "Tolerated"; PolyPhen-2: "Benign"; Align-GVGD: "Class C0". The histidine amino acid residue is found in multiple mammalian species, which suggests that this missense change does not adversely affect protein function. In summary, the available evidence is currently insufficient to determine the role of this variant in disease. Therefore, it has been classified as a Variant of Uncertain Significance.

PreventionGenetics, part of Exact Sciences
Classification: Uncertain significance for PCNT-related condition. Last evaluated: 2024-08-07. Review status: no assertion criteria provided. Collection method: clinical testing. Allele origin: germline. Not counted in ClinVar's aggregate classification.
Comment: The PCNT c.1490G>A variant is predicted to result in the amino acid substitution p.Arg497His. To our knowledge, this variant has not been reported in the literature. This variant is reported in 0.0080% of alleles in individuals of African descent in gnomAD. At this time, the clinical significance of this variant is uncertain due to the absence of conclusive functional and genetic evidence.

NM_006031.6(PCNT):c.1490G>A (p.Arg497His)

Gene: PCNT (pericentrin; plus strand). Cytogenetic location: 21q22.3.
Variant type: single nucleotide variant.
Coding change: c.1490G>A on transcript NM_006031.6 (MANE Select); coding-DNA position 1490, G replaced by A.
Protein change: p.Arg497His; replaces arginine 497 with histidine.
Molecular consequence: missense variant.
Genome position (GRCh38, 1-based): chr21:46,353,137, G>A. VCF-style: chr21-46353137-G-A. GRCh37 (hg19) VCF-style: chr21-47773051-G-A.
Other names: c.1136G>A, p.Arg379His (NM_001315529.2); c.1490G>A (NM_006031.5); short protein forms R497H, R379H.
Identifiers: ClinVar variation 1513754 (VCV001513754.6), dbSNP rs150365416, ClinGen allele CA10078653.